The following is an entry in ClinVar:

ClinVar aggregate classification (germline): Uncertain significance (1 of 4 stars; one submission).

Conditions:
Hereditary cancer-predisposing syndrome. Also called: Neoplastic Syndromes, Hereditary; Tumor predisposition; Hereditary neoplastic syndrome; Hereditary Cancer Syndrome. Identifiers: Orphanet 140162, MedGen C0027672, MeSH D009386, MONDO:0015356.

gnomAD v4.1: 2 of 1,613,844 alleles (0.00012%); highest among the groups gnomAD compares: Non-Finnish European, 0.000085%; no homozygotes.

Submission:

Ambry Genetics
Classification: Uncertain significance for Hereditary cancer-predisposing syndrome. Last evaluated: 2025-05-25. Review status: criteria provided, single submitter. Criteria: Ambry Variant Classification Scheme 2023. Collection method: clinical testing. Allele origin: germline.
Comment: The p.P4L variant (also known as c.11C>T), located in coding exon 1 of the MET gene, results from a C to T substitution at nucleotide position 11. The proline at codon 4 is replaced by leucine, an amino acid with similar properties. This amino acid position is not well conserved in available vertebrate species. In addition, this alteration is predicted to be tolerated by in silico analysis. Based on the available evidence, the clinical significance of this variant remains unclear.

NM_000245.4(MET):c.11C>T (p.Pro4Leu)

Gene: MET (MET proto-oncogene, receptor tyrosine kinase; plus strand). Cytogenetic location: 7q31.2.
Variant type: single nucleotide variant.
Coding change: c.11C>T on transcript NM_000245.4 (MANE Select); coding-DNA position 11, C replaced by T.
Protein change: p.Pro4Leu; replaces proline 4 with leucine.
Molecular consequence: missense variant. On other transcripts: intron variant (1).
Genome position (GRCh38, 1-based): chr7:116,699,095, C>T. VCF-style: chr7-116699095-C-T. GRCh37 (hg19) VCF-style: chr7-116339149-C-T.
Other names: c.11C>T, p.Pro4Leu (NM_001127500.3, NM_001324401.3); c.-91+26518C>T (NM_001324402.2); short protein forms P4L.
Identifiers: ClinVar variation 4053905 (VCV004053905.1).
Genomic context (GRCh38, chr7:116,699,095, plus strand): 5'-AACTGAACTGCTCTCGCCTTGAACCTGTTTTGGCAGATAAACCTCTCATAATGAAGGCCC[C>T]CGCTGTGCTTGCACCTGGCATCCTCGTGCTCCTGTTTACCTTGGTGCAGAGGAGCAATGG-3'
Protein context (NP_000236.2, residues 1-14): MKA[Pro4Leu]AVLAPGILVL